The following is an entry in ClinVar:

ClinVar aggregate classification (germline): Uncertain significance (1 of 4 stars; one submission).

Submission:

Labcorp Genetics (formerly Invitae), Labcorp
Classification: Uncertain significance. Last evaluated: 2024-01-18. Review status: criteria provided, single submitter. Criteria: Invitae Variant Classification Sherloc (09022015). Collection method: clinical testing. Allele origin: germline.
Comment: This sequence change replaces glutamic acid, which is acidic and polar, with lysine, which is basic and polar, at codon 249 of the CLUAP1 protein (p.Glu249Lys). This variant is not present in population databases (gnomAD no frequency). This variant has not been reported in the literature in individuals affected with CLUAP1-related conditions. Advanced modeling of protein sequence and biophysical properties (such as structural, functional, and spatial information, amino acid conservation, physicochemical variation, residue mobility, and thermodynamic stability) performed at Invitae indicates that this missense variant is expected to disrupt CLUAP1 protein function with a positive predictive value of 80%. In summary, the available evidence is currently insufficient to determine the role of this variant in disease. Therefore, it has been classified as a Variant of Uncertain Significance.

NM_015041.3(CLUAP1):c.745G>A (p.Glu249Lys)

Gene: CLUAP1 (clusterin associated protein 1; plus strand). Cytogenetic location: 16p13.3.
Variant type: single nucleotide variant.
Coding change: c.745G>A on transcript NM_015041.3 (MANE Select); coding-DNA position 745, G replaced by A.
Protein change: p.Glu249Lys; replaces glutamic acid 249 with lysine.
Molecular consequence: missense variant.
Genome position (GRCh38, 1-based): chr16:3,523,189, G>A. VCF-style: chr16-3523189-G-A. GRCh37 (hg19) VCF-style: chr16-3573189-G-A.
Other names: c.745G>A, p.Glu249Lys (NM_001330454.2); c.247G>A, p.Glu83Lys (NM_024793.3); short protein forms E83K, E249K.
Identifiers: ClinVar variation 2753062 (VCV002753062.3), dbSNP rs2037874295, ClinGen allele CA394514119.